The following is an entry in ClinVar:

ClinVar aggregate classification (germline): Uncertain significance. Review status: criteria provided, multiple submitters, no conflicts (2 of 4 stars). 2 submissions from 2 submitters: Uncertain significance (2). Last evaluated 2026-01-09.

Conditions:
Congenital contractural arachnodactyly (CCA). Also called: Arthrogryposis, distal, type 9; BEALS SYNDROME; Beals-Hecht syndrome. Identifiers: Orphanet 115, MedGen C0220668, MONDO:0007363, OMIM 121050.

Allele frequency attached by ClinVar (database versions not stated): gnomAD exomes below 0.00001; gnomAD 0.00001; TOPMed 0.00001.
gnomAD v4.1: 3 of 1,612,672 alleles (0.00019%); highest among the groups gnomAD compares: Non-Finnish European, 0.00025%; no homozygotes.

Submissions (2):

Labcorp Genetics (formerly Invitae), Labcorp
Classification: Uncertain significance for Congenital contractural arachnodactyly. Last evaluated: 2026-01-09. Review status: criteria provided, single submitter. Criteria: Invitae Variant Classification Sherloc (09022015). Collection method: clinical testing. Allele origin: germline.
Comment: This sequence change replaces cysteine, which is neutral and slightly polar, with tyrosine, which is neutral and polar, at codon 539 of the FBN2 protein (p.Cys539Tyr). This variant is not present in population databases (gnomAD no frequency). This missense change has been observed in individual(s) with clinical features of FBN2-related conditions (PMID: 34355836). ClinVar contains an entry for this variant (Variation ID: 1314684). Invitae Evidence Modeling of protein sequence and biophysical properties (such as structural, functional, and spatial information, amino acid conservation, physicochemical variation, residue mobility, and thermodynamic stability) indicates that this missense variant is expected to disrupt FBN2 protein function with a positive predictive value of 80%. In summary, the available evidence is currently insufficient to determine the role of this variant in disease. Therefore, it has been classified as a Variant of Uncertain Significance.

GeneDx
Classification: Uncertain significance. Last evaluated: 2021-04-12. Review status: criteria provided, single submitter. Criteria: GeneDx Variant Classification Process June 2021. Collection method: clinical testing. Allele origin: germline. Affected: yes.
Comment: Not observed in large population cohorts (Lek et al., 2016); In silico analysis supports that this missense variant has a deleterious effect on protein structure/function; Has not been previously published as pathogenic or benign to our knowledge

Literature cited by the submitters: PubMed 34355836 (cited by Labcorp Genetics (formerly Invitae), Labcorp).

NM_001999.4(FBN2):c.1616G>A (p.Cys539Tyr)

Gene: FBN2 (fibrillin 2; minus strand). Cytogenetic location: 5q23.3.
Variant type: single nucleotide variant.
Coding change: c.1616G>A on transcript NM_001999.4 (MANE Select); coding-DNA position 1616, G replaced by A.
Protein change: p.Cys539Tyr; replaces cysteine 539 with tyrosine.
Molecular consequence: missense variant.
Genome position (GRCh38, 1-based): chr5:128,378,878, C>T on the plus strand (G>A on the coding strand, the complement: FBN2 is on the minus strand). VCF-style: chr5-128378878-C-T. GRCh37 (hg19) VCF-style: chr5-127714571-C-T.
Other names: short protein forms C539Y.
Identifiers: ClinVar variation 1314684 (VCV001314684.5), dbSNP rs1456682417, ClinGen allele CA360744040.